The following is an entry in ClinVar:

ClinVar aggregate classification (germline): Uncertain significance. Review status: criteria provided, multiple submitters, no conflicts (2 of 4 stars). 3 submissions from 3 submitters: Uncertain significance (3). Last evaluated 2025-11-05.

Conditions:
Inborn genetic diseases. Identifiers: MedGen C0950123, MeSH D030342.
Sucrase-isomaltase deficiency (CSID). Also called: Deficiency of isomaltase; Congenital sucrose isomaltose malabsorption; Sucrose isomaltose enzyme deficiency; SI DEFICIENCY. Identifiers: Orphanet 35122, MedGen C1283620, MONDO:0009114, OMIM 222900.

Allele frequency attached by ClinVar (database versions not stated): ExAC 0.00001; gnomAD exomes 0.00002; ESP Exome Variant Server 0.00008; gnomAD 0.00008 and 0.00009.
gnomAD v4.1: 25 of 1,592,222 alleles (0.0016%); highest among the groups gnomAD compares: African/African-American, 0.031%; no homozygotes.

Submissions (3):

Ambry Genetics
Classification: Uncertain significance for Inborn genetic diseases. Last evaluated: 2025-11-05. Review status: criteria provided, single submitter. Criteria: Ambry Variant Classification Scheme 2023. Collection method: clinical testing. Allele origin: germline.

Fulgent Genetics
Classification: Uncertain significance for Sucrase-isomaltase deficiency. Last evaluated: 2024-02-26. Review status: criteria provided, single submitter. Criteria: ACMG Guidelines, 2015. Collection method: clinical testing. Allele origin: germline.

Labcorp Genetics (formerly Invitae), Labcorp
Classification: Uncertain significance. Last evaluated: 2022-02-10. Review status: criteria provided, single submitter. Criteria: Invitae Variant Classification Sherloc (09022015). Collection method: clinical testing. Allele origin: germline.
Comment: This variant is present in population databases (rs149898910, gnomAD 0.01%). This sequence change replaces serine, which is neutral and polar, with threonine, which is neutral and polar, at codon 565 of the SI protein (p.Ser565Thr). This variant has not been reported in the literature in individuals affected with SI-related conditions. Algorithms developed to predict the effect of missense changes on protein structure and function are either unavailable or do not agree on the potential impact of this missense change (SIFT: "Deleterious"; PolyPhen-2: "Benign"; Align-GVGD: "Class C0"). In summary, the available evidence is currently insufficient to determine the role of this variant in disease. Therefore, it has been classified as a Variant of Uncertain Significance.

NM_001041.4(SI):c.1694G>C (p.Ser565Thr)

Gene: SI (sucrase-isomaltase; minus strand). Cytogenetic location: 3q26.1.
Variant type: single nucleotide variant.
Coding change: c.1694G>C on transcript NM_001041.4 (MANE Select); coding-DNA position 1694, G replaced by C.
Protein change: p.Ser565Thr; replaces serine 565 with threonine.
Molecular consequence: missense variant.
Genome position (GRCh38, 1-based): chr3:165,049,148, C>G on the plus strand (G>C on the coding strand, the complement: SI is on the minus strand). VCF-style: chr3-165049148-C-G. GRCh37 (hg19) VCF-style: chr3-164766936-C-G.
Other names: c.1694G>C (NM_001041.3); short protein forms S565T.
Identifiers: ClinVar variation 1395313 (VCV001395313.10), dbSNP rs149898910, ClinGen allele CA2690982.